The following is an entry in ClinVar:

NM_001283009.2(RTEL1):c.2965C>T (p.Arg989Trp)

Genes: RTEL1-TNFRSF6B (RTEL1-TNFRSF6B readthrough (NMD candidate); plus strand), RTEL1 (regulator of telomere elongation helicase 1; plus strand). Cytogenetic location: 20q13.33.
Variant type: single nucleotide variant.
Coding change: c.2965C>T on transcript NM_001283009.2 (MANE Select); coding-DNA position 2965, C replaced by T.
Protein change: p.Arg989Trp; replaces arginine 989 with tryptophan.
Molecular consequence: missense variant. On other transcripts: non-coding transcript variant (1).
Genome position (GRCh38, 1-based): chr20:63,693,256, C>T. VCF-style: chr20-63693256-C-T. GRCh37 (hg19) VCF-style: chr20-62324609-C-T.
Other names: p.Arg989Trp; c.2296C>T, p.Arg766Trp (NM_001283010.1); c.2965C>T, p.Arg989Trp (NM_016434.4); c.3037C>T, p.Arg1013Trp (NM_032957.5); short protein forms R1013W, R766W, R989W.
Identifiers: ClinVar variation 967770 (VCV000967770.33), dbSNP rs139221232, ClinGen allele CA9965676.

ClinVar aggregate classification (germline): Conflicting classifications of pathogenicity. Review status: criteria provided, conflicting classifications (1 of 4 stars). 9 submissions from 9 submitters: Uncertain significance (5); Benign (1); Likely benign (1). 2 of the submissions do not count toward it. Last evaluated 2026-01-22.

Conditions:
Dyskeratosis congenita. Identifiers: Orphanet 1775, MedGen C0265965, MONDO:0015780.
RTEL1-related disorder. Also called: RTEL1-related disorders; RTEL1-related condition.
Dyskeratosis congenita, autosomal recessive 5 (DKCB5). Identifiers: MedGen C3554656, MONDO:0014076, OMIM 615190.
Pulmonary fibrosis and/or bone marrow failure, Telomere-related, 3. Also called: PULMONARY FIBROSIS AND/OR BONE MARROW FAILURE SYNDROME, TELOMERE-RELATED, 3. Identifiers: Orphanet 2032, MedGen C4225346, MONDO:0014613, OMIM 616373.

Allele frequency attached by ClinVar (database versions not stated): gnomAD 0.00030 and 0.00032; gnomAD exomes 0.00034; TOPMed 0.00037; ExAC 0.00039; 1000 Genomes Project 0.00040; 1000 Genomes Project 30x 0.00047; ESP Exome Variant Server 0.00054.
gnomAD v4.1: 429 of 1,611,880 alleles (0.027%); highest among the groups gnomAD compares: African/African-American, 0.063%; no homozygotes.

Submissions (9):

Labcorp Genetics (formerly Invitae), Labcorp
Classification: Benign for Dyskeratosis congenita, autosomal recessive 5; Pulmonary fibrosis and/or bone marrow failure, Telomere-related, 3. Last evaluated: 2026-01-22. Review status: criteria provided, single submitter. Criteria: Invitae Variant Classification Sherloc (09022015). Collection method: clinical testing. Allele origin: germline.

Mayo Clinic Laboratories, Mayo Clinic
Classification: Uncertain significance. Last evaluated: 2025-12-17. Review status: criteria provided, single submitter. Criteria: ACMG Guidelines, 2015. Collection method: clinical testing. Allele origin: germline. Observed: 1 variant allele.
Comment: BP4_moderate

PreventionGenetics, part of Exact Sciences
Classification: Uncertain significance for RTEL1-related condition. Last evaluated: 2025-09-12. Review status: criteria provided, single submitter. Criteria: ACMG Guidelines, 2015. Collection method: clinical testing. Allele origin: germline.
Comment: The RTEL1 c.3037C>T variant is predicted to result in the amino acid substitution p.Arg1013Trp. This variant has been reported in an individual with nonalcoholic fatty liver disease-associated hepatocellular carcinoma; however, no additional studies were performed to help access its pathogenicity (Supplementary dataset 1, Pelusi et al. 2019. PubMed ID: 30842500). This variant has also been reported with another RTEL1 variant in an individual with very short telomere length (Coukos et al. 2024. PubMed ID: 39037376). In addition, this variant has been observed in a cohort study with common variable immunodeficiency (Reported as p.Arg989Trp, Rolles et al. 2023. PubMed ID: 37944684). It has been reported in 0.077% of alleles in individuals of African descent in gnomAD. At this time, the clinical significance of this variant is uncertain due to the absence of conclusive functional and genetic evidence.

GeneDx
Classification: Uncertain significance. Last evaluated: 2025-05-13. Review status: criteria provided, single submitter. Criteria: GeneDx Variant Classification Process June 2021. Collection method: clinical testing. Allele origin: germline. Affected: yes.
Comment: Observed in individuals with nonalcoholic fatty liver disease-associated hepatocellular carcinoma, common variable immunodeficiency, or with features of RTEL1-related telomere biology disorder (PMID: 30842500, 37944684, 39037376); In silico analysis supports that this missense variant has a deleterious effect on protein structure/function; This variant is associated with the following publications: (PMID: 30842500, 37944684, 39037376)

Blueprint Genetics
Classification: Likely benign. Last evaluated: 2024-11-21. Review status: criteria provided, single submitter. Criteria: ACMG Guidelines, 2015. Collection method: clinical testing. Allele origin: germline.

CeGaT Center for Human Genetics Tuebingen
Classification: Uncertain significance. Last evaluated: 2024-05-01. Review status: criteria provided, single submitter. Criteria: CeGaT Center For Human Genetics Tuebingen Variant Classification Criteria Version 2. Collection method: clinical testing. Allele origin: germline. Affected: yes. Observed: 1 variant allele.
Comment: RTEL1: PM2, BP4

Fulgent Genetics
Classification: Uncertain significance for Dyskeratosis congenita, autosomal recessive 5; Pulmonary fibrosis and/or bone marrow failure, Telomere-related, 3. Last evaluated: 2022-05-27. Review status: criteria provided, single submitter. Criteria: ACMG Guidelines, 2015. Collection method: clinical testing. Allele origin: unknown.

UOSD Laboratory of Genetics & Genomics of Rare Diseases, Istituto Giannina Gaslini
Classification: Likely benign for Dyskeratosis congenita, autosomal recessive 5. Last evaluated: 2020-05-21. Review status: no assertion criteria provided. Collection method: clinical testing. Allele origin: germline. Affected: yes. Observed: 1 variant allele. Not counted in ClinVar's aggregate classification.

Natera, Inc.
Classification: Uncertain significance for Dyskeratosis congenita. Last evaluated: 2020-01-28. Review status: no assertion criteria provided. Collection method: clinical testing. Allele origin: germline. Not counted in ClinVar's aggregate classification.

Literature cited by the submitters: PubMed 37944684 (cited by Mayo Clinic Laboratories, Mayo Clinic).